The following is an entry in ClinVar:

ClinVar aggregate classification (germline): Uncertain significance (1 of 4 stars; one submission).

Submission:

GeneDx
Classification: Uncertain significance. Last evaluated: 2025-07-25. Review status: criteria provided, single submitter. Criteria: GeneDx Variant Classification Process June 2021. Collection method: clinical testing. Allele origin: germline. Affected: yes.
Comment: Not observed at significant frequency in large population cohorts (gnomAD); In silico analysis supports that this missense variant has a deleterious effect on protein structure/function; Has not been previously published as pathogenic or benign to our knowledge

NM_001080517.3(SETD5):c.3782C>A (p.Pro1261His)

Gene: SETD5 (SET domain containing 5; plus strand). Cytogenetic location: 3p25.3.
Variant type: single nucleotide variant.
Coding change: c.3782C>A on transcript NM_001080517.3 (MANE Select); coding-DNA position 3782, C replaced by A.
Protein change: p.Pro1261His; replaces proline 1261 with histidine.
Molecular consequence: missense variant.
Genome position (GRCh38, 1-based): chr3:9,475,544, C>A. VCF-style: chr3-9475544-C-A. GRCh37 (hg19) VCF-style: chr3-9517228-C-A.
Other names: c.3488C>A, p.Pro1163His (NM_001292043.2, NM_001349451.2); short protein forms P1163H, P1261H.
Identifiers: ClinVar variation 2571958 (VCV002571958.2), dbSNP rs759034457, ClinGen allele CA351690952.